The following is an entry in ClinVar:

NC_000023.10:g.(?_38164030)_(38197811_?)del

Gene: RPGR (retinitis pigmentosa GTPase regulator; minus strand). Cytogenetic location: Xp11.4.
Variant type: Deletion.
Identifiers: ClinVar variation 3248203 (VCV003248203.1).

ClinVar aggregate classification (germline): Pathogenic (1 of 4 stars; one submission).

Conditions:
Primary ciliary dyskinesia. Also called: Ciliary dyskinesia. Identifiers: Orphanet 244, MedGen C0008780, MONDO:0016575, HP:0012265.

Submission:

Labcorp Genetics (formerly Invitae), Labcorp
Classification: Pathogenic for Primary ciliary dyskinesia. Last evaluated: 2024-01-09. Review status: criteria provided, single submitter. Criteria: Invitae Variant Classification Sherloc (09022015). Collection method: clinical testing. Allele origin: unknown.
Comment: This variant results in the deletion of exons 1-7 and part of 8 (c.-11191_792delinsA) of the RPGR gene. It is expected to result in an absent or disrupted protein product. Loss-of-function variants in RPGR are known to be pathogenic (PMID: 16055928, 16969763). This variant has not been reported in the literature in individuals affected with RPGR-related conditions. For these reasons, this variant has been classified as Pathogenic.

Literature cited by the submitters: PubMed 16055928; PubMed 16969763.